The following is an entry in ClinVar:

NM_194454.3(KRIT1):c.859del (p.Trp286_Val287insTer)

Gene: KRIT1 (KRIT1 ankyrin repeat containing; minus strand). Cytogenetic location: 7q21.2.
Variant type: Deletion.
Coding change: c.859del on transcript NM_194454.3 (MANE Select); coding-DNA position 859, one base deleted (G; older notation c.859delG).
Protein change: p.Trp286_Val287insTer.
Molecular consequence: nonsense. On other transcripts: intron variant (3).
Genome position (GRCh38, 1-based): chr7:92,234,579, C deleted on the plus strand (G on the coding strand, the reverse complement: KRIT1 is on the minus strand); the first of 3 consecutive C bases (chr7:92,234,579-92,234,581); deleting any one gives the same sequence. VCF-style (leftmost placement, unchanged base first): chr7-92234578-AC-A. GRCh37 (hg19) VCF-style: chr7-91863892-AC-A.
Other names: c.859del, p.Trp286_Val287insTer (NM_001350673.1, NM_001350674.1, NM_001350675.1 and 26 more transcripts); c.845+229del (NM_001350669.1, NM_001013406.2, NM_001350670.1); c.145del, p.Trp48_Val49insTer (NM_001350671.1).
Identifiers: ClinVar variation 941887 (VCV000941887.10), dbSNP rs1797999551, ClinGen allele CA1139660118.

ClinVar aggregate classification (germline): Pathogenic/Likely pathogenic. Review status: criteria provided, multiple submitters, no conflicts (2 of 4 stars). 3 submissions from 3 submitters: Pathogenic (1); Likely pathogenic (2). Last evaluated 2025-02-28.

Conditions:
KRIT1-related disorder. Also called: KRIT1-related disorders; KRIT1-related condition.
Cerebral cavernous malformation (CCM). Also called: Cerebral cavernous malformations; CAVERNOUS ANGIOMA, FAMILIAL; CAVERNOUS ANGIOMATOUS MALFORMATIONS; CEREBRAL CAPILLARY MALFORMATIONS; Cerebral cavernous hemangioma (type); Cavernous Hemangioma of Brain. Identifiers: Orphanet 221061, MedGen C2919945, MONDO:0000820, OMIM 116860, HP:0033522.

Submissions (3):

GeneDx
Classification: Likely pathogenic. Last evaluated: 2025-02-28. Review status: criteria provided, single submitter. Criteria: GeneDx Variant Classification Process June 2021. Collection method: clinical testing. Allele origin: germline. Affected: yes.
Comment: Nonsense variant predicted to result in protein truncation or nonsense mediated decay in a gene for which loss of function is a known mechanism of disease; Not observed at significant frequency in large population cohorts (gnomAD); Has not been previously published as pathogenic or benign to our knowledge

Labcorp Genetics (formerly Invitae), Labcorp
Classification: Pathogenic for Cerebral cavernous malformation. Last evaluated: 2025-02-01. Review status: criteria provided, single submitter. Criteria: Invitae Variant Classification Sherloc (09022015). Collection method: clinical testing. Allele origin: germline.
Comment: This sequence change creates a premature translational stop signal (p.Val287*) in the KRIT1 gene. It is expected to result in an absent or disrupted protein product. Loss-of-function variants in KRIT1 are known to be pathogenic (PMID: 10508515, 11222804, 12404106, 24689081). This variant is not present in population databases (gnomAD no frequency). This variant has not been reported in the literature in individuals affected with KRIT1-related conditions. ClinVar contains an entry for this variant (Variation ID: 941887). For these reasons, this variant has been classified as Pathogenic.

Blueprint Genetics
Classification: Likely pathogenic for KRIT1-related disorders. Last evaluated: 2022-05-25. Review status: criteria provided, single submitter. Criteria: ACMG Guidelines, 2015. Collection method: clinical testing. Allele origin: germline. Affected: yes. Observed: 3 variant alleles.

Literature cited by the submitters: PubMed 10508515 (cited by Labcorp Genetics (formerly Invitae), Labcorp); PubMed 11222804 (cited by Labcorp Genetics (formerly Invitae), Labcorp); PubMed 12404106 (cited by Labcorp Genetics (formerly Invitae), Labcorp); PubMed 24689081 (cited by Labcorp Genetics (formerly Invitae), Labcorp).